The following is an entry in ClinVar:

NM_001354604.2(MITF):c.688A>G (p.Ile230Val)

Gene: MITF (melanocyte inducing transcription factor; plus strand). Cytogenetic location: 3p13.
Variant type: single nucleotide variant.
Coding change: c.688A>G on transcript NM_001354604.2 (MANE Select); coding-DNA position 688, A replaced by G.
Protein change: p.Ile230Val; replaces isoleucine 230 with valine.
Molecular consequence: missense variant.
Genome position (GRCh38, 1-based): chr3:69,941,257, A>G. VCF-style: chr3-69941257-A-G. GRCh37 (hg19) VCF-style: chr3-69990408-A-G.
Other names: c.367A>G, p.Ile123Val (NM_000248.4, NM_198158.3); c.532A>G, p.Ile178Val (NM_001184967.2, NM_001354608.2); c.685A>G, p.Ile229Val (NM_001354605.2, NM_001354606.2, NM_006722.3); c.637A>G, p.Ile213Val (NM_001354607.2); c.688A>G, p.Ile230Val (NM_198159.3); c.640A>G, p.Ile214Val (NM_198177.3); c.199A>G, p.Ile67Val (NM_198178.3); short protein forms I213V, I230V, I67V, I229V, I123V, I178V, I214V.
Identifiers: ClinVar variation 4825809 (VCV004825809.1).
Genomic context (GRCh38, chr3:69,941,257, plus strand): 5'-TTTATTTTTGTCTCTCTTCTCTTACCCTTTTTCCTACAGATGGATGATGTAATCGATGAC[A>G]TCATTAGCCTAGAATCAAGTTATAATGAGGAAATCTTGGGCTTGATGGATCCTGCTTTGC-3'
Protein context (NP_001341533.1, residues 220-240): CMQMDDVIDD[Ile230Val]ISLESSYNEE

ClinVar aggregate classification (germline): Uncertain significance (1 of 4 stars; one submission).

Conditions:
Hereditary cancer-predisposing syndrome. Also called: Neoplastic Syndromes, Hereditary; Tumor predisposition; Hereditary Cancer Syndrome; Hereditary neoplastic syndrome. Identifiers: Orphanet 140162, MedGen C0027672, MeSH D009386, MONDO:0015356.

gnomAD v4.1: 1 of 1,612,260 alleles (0.000062%); highest among the groups gnomAD compares: Non-Finnish European, 0.000085%; no homozygotes.

Submission:

Ambry Genetics
Classification: Uncertain significance for Hereditary cancer-predisposing syndrome. Last evaluated: 2026-03-08. Review status: criteria provided, single submitter. Criteria: Ambry Variant Classification Scheme 2023. Collection method: clinical testing. Allele origin: germline.
Comment: The p.I123V variant (also known as c.367A>G), located in coding exon 4 of the MITF gene, results from an A to G substitution at nucleotide position 367. The isoleucine at codon 123 is replaced by valine, an amino acid with highly similar properties. This amino acid position is conserved. In addition, this alteration is predicted to be tolerated by in silico analysis. Based on the available evidence, the clinical significance of this variant remains unclear.